The following is an entry in ClinVar:

ClinVar aggregate classification (germline): Uncertain significance. Review status: criteria provided, multiple submitters, no conflicts (2 of 4 stars). 5 submissions from 5 submitters: Uncertain significance (5). Last evaluated 2025-10-23.

Conditions:
Cardiovascular phenotype. Identifiers: MedGen CN230736.
Dilated cardiomyopathy 1BB (CMD1BB). Also called: CARDIOMYOPATHY, DILATED, 1BB, SUSCEPTIBILITY TO. Identifiers: Orphanet 154, MedGen C2752072, MONDO:0013030, OMIM 612877.
Arrhythmogenic right ventricular dysplasia 10. Also called: Arrhythmogenic Right Ventricular Dysplasia/Cardiomyopathy10; Arrhythmogenic right ventricular dysplasia/cardiomyopathy, type 10; ARRHYTHMOGENIC RIGHT VENTRICULAR DYSPLASIA, FAMILIAL, 10. Identifiers: MedGen C1857777, MONDO:0012434, OMIM 610193.
Cardiomyopathy (CMYO). Also called: Cardiomyopathies. Identifiers: Orphanet 167848, MedGen C0878544, MONDO:0004994, HP:0001638. Inheritance: Various modes of inheritance.

Submissions (5):

Labcorp Genetics (formerly Invitae), Labcorp
Classification: Uncertain significance for Arrhythmogenic right ventricular dysplasia 10. Last evaluated: 2025-10-23. Review status: criteria provided, single submitter. Criteria: Invitae Variant Classification Sherloc (09022015). Collection method: clinical testing. Allele origin: germline.
Comment: This variant, c.2649_2651del, results in the deletion of 1 amino acid(s) of the DSG2 protein (p.Ser884del), but otherwise preserves the integrity of the reading frame. This variant is present in population databases (rs765455937, gnomAD 0.02%). This variant has not been reported in the literature in individuals affected with DSG2-related conditions. ClinVar contains an entry for this variant (Variation ID: 199826). Experimental studies and prediction algorithms are not available or were not evaluated, and the functional significance of this variant is currently unknown. In summary, the available evidence is currently insufficient to determine the role of this variant in disease. Therefore, it has been classified as a Variant of Uncertain Significance.

GeneDx
Classification: Uncertain significance. Last evaluated: 2025-10-01. Review status: criteria provided, single submitter. Criteria: GeneDx Variant Classification Process June 2021. Collection method: clinical testing. Allele origin: germline. Affected: yes.
Comment: Has not been previously published as pathogenic or benign to our knowledge; Not observed at significant frequency in large population cohorts (gnomAD); In silico analysis indicates that this variant does not alter protein structure/function; In-frame deletion of 1 amino acids in a non-repeat region

Color Diagnostics, LLC DBA Color Health
Classification: Uncertain significance for Cardiomyopathy. Last evaluated: 2024-03-19. Review status: criteria provided, single submitter. Criteria: ACMG Guidelines, 2015. Collection method: clinical testing. Allele origin: germline.
Comment: This variant results in a deletion of single amino acid at codon 884 in the DSG2 protein. To our knowledge, functional studies have not been reported for this variant. This variant has not been reported in individuals affected with DSG2-related disorders in the literature. This variant has been identified in 5/280112 chromosomes in the general population by the Genome Aggregation Database (gnomAD). The available evidence is insufficient to determine the role of this variant in disease conclusively. Therefore, this variant is classified as a Variant of Uncertain Significance.

Ambry Genetics
Classification: Uncertain significance for Cardiovascular phenotype. Last evaluated: 2023-06-05. Review status: criteria provided, single submitter. Criteria: Ambry Variant Classification Scheme 2023. Collection method: clinical testing. Allele origin: germline.
Comment: The c.2649_2651delCTC variant (also known as p.S884del) is located in coding exon 15 of the DSG2 gene. This variant results from an in-frame CTC deletion at nucleotide positions 2649 to 2651. This results in the in-frame deletion of a serine at codon 884. This amino acid position is well conserved in available vertebrate species. In addition, this alteration is predicted to be neutral by in silico analysis (Choi Y et al. PLoS ONE. 2012; 7(10):e46688). Since supporting evidence is limited at this time, the clinical significance of this alteration remains unclear.

Fulgent Genetics
Classification: Uncertain significance for Arrhythmogenic right ventricular dysplasia 10; Dilated cardiomyopathy 1BB. Last evaluated: 2022-01-21. Review status: criteria provided, single submitter. Criteria: ACMG Guidelines, 2015. Collection method: clinical testing. Allele origin: unknown.

NM_001943.5(DSG2):c.2646CTC[1] (p.Ser884del)

Genes: DSG2 (desmoglein 2; plus strand), DSG2-AS1 (DSG2 antisense RNA 1; minus strand). Cytogenetic location: 18q12.1.
Variant type: Microsatellite.
Coding change: c.2646CTC[1] on transcript NM_001943.5 (MANE Select); one copy of the 3-base unit CTC starting at c.2646; the reference has two copies in a row; one copy, 3 bases deleted; also written c.2649_2651del.
Protein change: p.Ser884del; deletes serine 884.
Molecular consequence: inframe deletion.
Genome position (GRCh38, 1-based): chr18:31,546,035-31,546,037, CTC deleted; deleting any 3 consecutive bases within chr18:31,546,032-31,546,037 gives the same sequence; the position shown is the placement nearest the transcript's 3' end. VCF-style (leftmost placement, unchanged base first): chr18-31546031-ACTC-A. GRCh37 (hg19) VCF-style: chr18-29125994-ACTC-A.
Other names: c.2649_2651delCTC (NM_001943.3); c.2649_2651del (NM_001943.3, NM_001943.5); short protein forms S884del.
Identifiers: ClinVar variation 199826 (VCV000199826.21), dbSNP rs794728095, ClinGen allele CA021856.